The following is an entry in ClinVar:

NM_001110219.3(GJB6):c.617A>C (p.Asn206Thr)

Gene: GJB6 (gap junction protein beta 6; minus strand). Cytogenetic location: 13q12.11.
Variant type: single nucleotide variant.
Coding change: c.617A>C on transcript NM_001110219.3 (MANE Select); coding-DNA position 617, A replaced by C.
Protein change: p.Asn206Thr; replaces asparagine 206 with threonine.
Molecular consequence: missense variant.
Genome position (GRCh38, 1-based): chr13:20,222,864, T>G on the plus strand (A>C on the coding strand, the complement: GJB6 is on the minus strand). VCF-style: chr13-20222864-T-G. GRCh37 (hg19) VCF-style: chr13-20797003-T-G.
Other names: c.617A>C (NM_006783.4); c.617A>C, p.Asn206Thr (NM_001110220.3, NM_001110221.3, NM_001370090.1 and 3 more transcripts); short protein forms N206T.
Identifiers: ClinVar variation 2930663 (VCV002930663.4), dbSNP rs765237598, ClinGen allele CA6904408.

ClinVar aggregate classification (germline): Uncertain significance. Review status: criteria provided, multiple submitters, no conflicts (2 of 4 stars). 2 submissions from 2 submitters: Uncertain significance (2). Last evaluated 2025-06-25.

Conditions:
Inborn genetic diseases. Identifiers: MedGen C0950123, MeSH D030342.
Autosomal dominant nonsyndromic hearing loss 3B. Identifiers: Orphanet 90635, MedGen C2675237, MONDO:0012975, OMIM 612643.
Autosomal recessive nonsyndromic hearing loss 1A (DFNB1A). Also called: Connexin 26 deafness; Deafness nonsyndromic, Connexin 26 linked; GJB6-Related DFNB 1 Nonsyndromic Hearing Loss and Deafness; Deafness, autosomal recessive 1A; Nonsyndromic Hearing Loss and Deafness, DFNB1; GJB2-Related Autosomal Recessive Nonsyndromic Hearing Loss. Identifiers: Orphanet 90636, MedGen C2673759, MONDO:0009076, OMIM 220290.
Autosomal recessive nonsyndromic hearing loss 1B. Also called: DEAFNESS, AUTOSOMAL RECESSIVE 1B. Identifiers: Orphanet 90636, MedGen C2675235, MONDO:0012977, OMIM 612645.
Hidrotic ectodermal dysplasia syndrome (GJB6). Also called: CLOUSTON HIDROTIC ECTODERMAL DYSPLASIA; Ectodermal dysplasia 2, hidrotic; Autosomal dominant hidrotic ectodermal dysplasia; Clouston syndrome; Clouston's hidrotic ectodermal dysplasia; ECTODERMAL DYSPLASIA 2, CLOUSTON TYPE. Identifiers: Orphanet 189, MedGen C0162361, MONDO:0007510, OMIM 129500.

Allele frequency attached by ClinVar (database versions not stated): gnomAD exomes 0.00003; TOPMed 0.00003; gnomAD 0.00004; ExAC 0.00003.

Submissions (2):

Ambry Genetics
Classification: Uncertain significance for Inborn genetic diseases. Last evaluated: 2025-06-25. Review status: criteria provided, single submitter. Criteria: Ambry Variant Classification Scheme 2023. Collection method: clinical testing. Allele origin: germline.

Labcorp Genetics (formerly Invitae), Labcorp
Classification: Uncertain significance for Autosomal dominant nonsyndromic hearing loss 3B; Hidrotic ectodermal dysplasia syndrome; Autosomal recessive nonsyndromic hearing loss 1B; Autosomal recessive nonsyndromic hearing loss 1A. Last evaluated: 2023-02-14. Review status: criteria provided, single submitter. Criteria: Invitae Variant Classification Sherloc (09022015). Collection method: clinical testing. Allele origin: germline.
Comment: This sequence change replaces asparagine, which is neutral and polar, with threonine, which is neutral and polar, at codon 206 of the GJB6 protein (p.Asn206Thr). This variant is present in population databases (rs765237598, gnomAD 0.005%). This variant has not been reported in the literature in individuals affected with GJB6-related conditions. Advanced modeling of protein sequence and biophysical properties (such as structural, functional, and spatial information, amino acid conservation, physicochemical variation, residue mobility, and thermodynamic stability) performed at Invitae indicates that this missense variant is not expected to disrupt GJB6 protein function. In summary, the available evidence is currently insufficient to determine the role of this variant in disease. Therefore, it has been classified as a Variant of Uncertain Significance.